The following is an entry in ClinVar:

NC_000023.10:g.(32827729_32834584)_(32867938_33038255)del

Gene: DMD (dystrophin; minus strand). Cytogenetic location: Xp21.1.
Variant type: Deletion.
Identifiers: ClinVar variation 2429201 (VCV002429201.4).

ClinVar aggregate classification (germline): Pathogenic (1 of 4 stars; one submission).

Conditions:
Neuromuscular disease caused by qualitative or quantitative defects of dystrophin. Also called: Qualitative or quantitative defects of dystrophin. Identifiers: Orphanet 207085, MedGen C5679787, MONDO:0016147.

Submission:

Women's Health and Genetics/Laboratory Corporation of America, LabCorp
Classification: Pathogenic for Neuromuscular disease caused by qualitative or quantitative defects of dystrophin. Last evaluated: 2023-01-03. Review status: criteria provided, single submitter. Criteria: LabCorp Variant Classification Summary - May 2015. Collection method: clinical testing. Allele origin: germline.
Comment: Variant summary: The variant identified by MLPA or other technology involves the deletion of exons 3-6 in the DMD gene. A presumed nomenclature of c.(93+1_94-1)_(530+1_531-1)del has been designated for the purposes of this classification. Although exact breakpoints of this deletion are not known, it is expected to result in a frameshift in the DMD gene, a known mechanism of disease. The variant was absent in 16104 control chromosomes (gnomAD, Structural Variants dataset). Deletion of exons 3-6 has been reported in the literature in multiple individuals affected with Dystrophinopathies (e.g. Moizard_1998, Taylor_2007, Ling_2020). These data indicate that the variant is very likely to be associated with disease. A ClinVar submitter (evaluation after 2014) cites the variant as pathogenic. Based on the evidence outlined above, the variant was classified as pathogenic.

Literature cited by the submitters: PubMed 31705731; PubMed 17259292; PubMed 9800909.